The following is an entry in ClinVar:

ClinVar aggregate classification (germline): Uncertain significance (1 of 4 stars; one submission).

Allele frequency attached by ClinVar (database versions not stated): gnomAD exomes below 0.00001; gnomAD 0.00001; TOPMed 0.00001.
gnomAD v4.1: 3 of 1,614,038 alleles (0.00019%); highest among the groups gnomAD compares: Non-Finnish European, 0.00025%; no homozygotes.

Submission:

GeneDx
Classification: Uncertain significance. Last evaluated: 2022-06-23. Review status: criteria provided, single submitter. Criteria: GeneDx Variant Classification Process June 2021. Collection method: clinical testing. Allele origin: germline. Affected: yes.
Comment: Not observed at significant frequency in large population cohorts (gnomAD); In silico analysis supports that this missense variant does not alter protein structure/function; Has not been previously published as pathogenic or benign to our knowledge

NM_170606.3(KMT2C):c.9709G>A (p.Val3237Ile)

Gene: KMT2C (lysine methyltransferase 2C; minus strand). Cytogenetic location: 7q36.1.
Variant type: single nucleotide variant.
Coding change: c.9709G>A on transcript NM_170606.3 (MANE Select); coding-DNA position 9709, G replaced by A.
Protein change: p.Val3237Ile; replaces valine 3237 with isoleucine.
Molecular consequence: missense variant.
Genome position (GRCh38, 1-based): chr7:152,167,187, C>T on the plus strand (G>A on the coding strand, the complement: KMT2C is on the minus strand). VCF-style: chr7-152167187-C-T. GRCh37 (hg19) VCF-style: chr7-151864272-C-T.
Other names: short protein forms V3237I.
Identifiers: ClinVar variation 1806758 (VCV001806758.1), dbSNP rs1232063647, ClinGen allele CA370106561.
Genomic context (GRCh38, chr7:152,167,187, plus strand): 5'-TTGCAAACCTATTTATTACCTGTTCTAGCTGTTTCTGAACCATGCTTTGCTGTTCAGTAA[C>T]ATGCTTGAGTTGTTCTGCATCTTCCTCTGGAAATTCACGCCCAGCTTTCTTGGCAGTACG-3'
Protein context (NP_733751.2, residues 3227-3247): PEEDAEQLKH[Val3237Ile]TEQQSMVQKQ